The following is an entry in ClinVar:

ClinVar aggregate classification (germline): Benign/Likely benign. Review status: criteria provided, multiple submitters, no conflicts (2 of 4 stars). 3 submissions from 3 submitters: Benign (1); Likely benign (1). 1 of the submissions does not count toward it. Last evaluated 2023-02-02.

Conditions:
FBXO38-related disorder. Also called: FBXO38-related condition.
Inborn genetic diseases. Identifiers: MedGen C0950123, MeSH D030342.
Distal hereditary motor neuropathy type 2. Identifiers: Orphanet 139525, MedGen C3711384, MeSH C580044, MONDO:0015352.

Submissions (3):

Ambry Genetics
Classification: Likely benign for Inborn genetic diseases. Last evaluated: 2023-02-02. Review status: criteria provided, single submitter. Criteria: Ambry General Variant Classification Scheme_2022. Collection method: clinical testing. Allele origin: germline.

Labcorp Genetics (formerly Invitae), Labcorp
Classification: Benign for Distal hereditary motor neuropathy type 2. Last evaluated: 2022-10-11. Review status: criteria provided, single submitter. Criteria: Invitae Variant Classification Sherloc (09022015). Collection method: clinical testing. Allele origin: germline.

PreventionGenetics, part of Exact Sciences
Classification: Likely benign for FBXO38-related condition. Last evaluated: 2019-06-05. Review status: no assertion criteria provided. Collection method: clinical testing. Allele origin: germline. Not counted in ClinVar's aggregate classification.
Comment: This variant is classified as likely benign based on ACMG/AMP sequence variant interpretation guidelines (Richards et al. 2015 PMID: 25741868, with internal and published modifications).

NM_205836.3(FBXO38):c.1739-4dup

Gene: FBXO38 (F-box protein 38; plus strand). Cytogenetic location: 5q32.
Variant type: Duplication.
Coding change: c.1739-4dup on transcript NM_205836.3 (MANE Select); 4 bases into the intron before coding-DNA position 1739, one base duplicated (T; older notation c.1739-4dupT).
Molecular consequence: intron variant.
Genome position (GRCh38, 1-based): chr5:148,425,518, T duplicated; the last of 8 consecutive T bases (chr5:148,425,511-148,425,518); duplicating any one gives the same sequence. VCF-style (leftmost placement, unchanged base first): chr5-148425510-C-CT. GRCh37 (hg19) VCF-style: chr5-147805073-C-CT.
Other names: c.1739-4dup (NM_030793.5, NM_001271723.2); c.1739-4dupT (NM_030793.4, NM_205836.1).
Identifiers: ClinVar variation 1979602 (VCV001979602.7), dbSNP rs761558731, ClinGen allele CA3497372.